The following is an entry in ClinVar:

NM_004484.4(GPC3):c.1424C>T (p.Thr475Ile)

Gene: GPC3 (glypican 3; minus strand). Cytogenetic location: Xq26.2.
Variant type: single nucleotide variant.
Coding change: c.1424C>T on transcript NM_004484.4 (MANE Select); coding-DNA position 1424, C replaced by T.
Protein change: p.Thr475Ile; replaces threonine 475 with isoleucine.
Molecular consequence: missense variant.
Genome position (GRCh38, 1-based): chrX:133,596,589, G>A on the plus strand (C>T on the coding strand, the complement: GPC3 is on the minus strand). VCF-style: chrX-133596589-G-A. GRCh37 (hg19) VCF-style: chrX-132730617-G-A.
Other names: c.1493C>T, p.Thr498Ile (NM_001164617.2); c.1376C>T, p.Thr459Ile (NM_001164618.2); c.1262C>T, p.Thr421Ile (NM_001164619.2); short protein forms T421I, T459I, T475I, T498I.
Identifiers: ClinVar variation 1014023 (VCV001014023.11), dbSNP rs2069919421, ClinGen allele CA414701761.

ClinVar aggregate classification (germline): Uncertain significance (1 of 4 stars; one submission).

Conditions:
Wilms tumor 1 (WT1). Also called: Wilms tumor, somatic. Identifiers: Orphanet 654, MedGen CN033288, MONDO:0008679, OMIM 194070.

Submission:

Labcorp Genetics (formerly Invitae), Labcorp
Classification: Uncertain significance for Wilms tumor 1. Last evaluated: 2020-01-06. Review status: criteria provided, single submitter. Criteria: Invitae Variant Classification Sherloc (09022015). Collection method: clinical testing. Allele origin: germline.
Comment: In summary, the available evidence is currently insufficient to determine the role of this variant in disease. Therefore, it has been classified as a Variant of Uncertain Significance. Algorithms developed to predict the effect of missense changes on protein structure and function (SIFT, PolyPhen-2, Align-GVGD) all suggest that this variant is likely to be tolerated, but these predictions have not been confirmed by published functional studies and their clinical significance is uncertain. This variant has not been reported in the literature in individuals with GPC3-related conditions. This variant is not present in population databases (ExAC no frequency). This sequence change replaces threonine with isoleucine at codon 475 of the GPC3 protein (p.Thr475Ile). The threonine residue is weakly conserved and there is a moderate physicochemical difference between threonine and isoleucine.